The following is an entry in ClinVar:

NM_001080449.3(DNA2):c.1999G>A (p.Ala667Thr)

Gene: DNA2 (DNA replication helicase/nuclease 2; minus strand). Cytogenetic location: 10q21.3.
Variant type: single nucleotide variant.
Coding change: c.1999G>A on transcript NM_001080449.3 (MANE Select); coding-DNA position 1999, G replaced by A.
Protein change: p.Ala667Thr; replaces alanine 667 with threonine.
Molecular consequence: missense variant.
Genome position (GRCh38, 1-based): chr10:68,430,645, C>T on the plus strand (G>A on the coding strand, the complement: DNA2 is on the minus strand). VCF-style: chr10-68430645-C-T. GRCh37 (hg19) VCF-style: chr10-70190402-C-T.
Other names: c.1999G>A (NM_001080449.2); short protein forms A667T.
Identifiers: ClinVar variation 1419100 (VCV001419100.8), dbSNP rs200069526, ClinGen allele CA5524905.
Genomic context (GRCh38, chr10:68,430,645, plus strand): 5'-AAAGAATATTGTCAACAGCAGAGTGTGTATAGCTGGTCAACAAAACGCTAAAACCACAGG[C>T]GTAGAGAATTCTTACCTAATAATGGGTAAGAGAAAAAAGAAAAAACAGCCTTACTTTTAA-3'
Protein context (NP_001073918.2, residues 657-677): TICTLVRILY[Ala667Thr]CGFSVLLTSY

ClinVar aggregate classification (germline): Uncertain significance. Review status: criteria provided, multiple submitters, no conflicts (2 of 4 stars). 2 submissions from 2 submitters: Uncertain significance (2). Last evaluated 2026-01-05.

Allele frequency attached by ClinVar (database versions not stated): ESP Exome Variant Server 0.00026; 1000 Genomes Project 30x 0.00016; 1000 Genomes Project 0.00020.
gnomAD v4.1: 50 of 1,588,266 alleles (0.0031%); highest among the groups gnomAD compares: African/African-American, 0.059%; no homozygotes.

Submissions (2):

Labcorp Genetics (formerly Invitae), Labcorp
Classification: Uncertain significance. Last evaluated: 2026-01-05. Review status: criteria provided, single submitter. Criteria: Invitae Variant Classification Sherloc (09022015). Collection method: clinical testing. Allele origin: germline.
Comment: This sequence change replaces alanine, which is neutral and non-polar, with threonine, which is neutral and polar, at codon 667 of the DNA2 protein (p.Ala667Thr). This variant is present in population databases (rs200069526, gnomAD 0.05%). This variant has not been reported in the literature in individuals affected with DNA2-related conditions. ClinVar contains an entry for this variant (Variation ID: 1419100). Invitae Evidence Modeling of protein sequence and biophysical properties (such as structural, functional, and spatial information, amino acid conservation, physicochemical variation, residue mobility, and thermodynamic stability) indicates that this missense variant is expected to disrupt DNA2 protein function with a positive predictive value of 80%. In summary, the available evidence is currently insufficient to determine the role of this variant in disease. Therefore, it has been classified as a Variant of Uncertain Significance.

GeneDx
Classification: Uncertain significance. Last evaluated: 2025-04-15. Review status: criteria provided, single submitter. Criteria: GeneDx Variant Classification Process June 2021. Collection method: clinical testing. Allele origin: germline.
Comment: Has not been previously published as pathogenic or benign to our knowledge; In silico analysis indicates that this missense variant does not alter protein structure/function